The following is an entry in ClinVar:

ClinVar aggregate classification (germline): Uncertain significance (1 of 4 stars; one submission).

gnomAD v4.1: 17 of 1,614,048 alleles (0.0011%); highest among the groups gnomAD compares: African/African-American, 0.0013%; no homozygotes.

Submission:

Labcorp Genetics (formerly Invitae), Labcorp
Classification: Uncertain significance. Last evaluated: 2025-02-20. Review status: criteria provided, single submitter. Criteria: Invitae Variant Classification Sherloc (09022015). Collection method: clinical testing. Allele origin: germline.
Comment: This sequence change replaces arginine, which is basic and polar, with cysteine, which is neutral and slightly polar, at codon 815 of the DSCAML1 protein (p.Arg815Cys). This variant is present in population databases (rs773368695, gnomAD 0.007%). This variant has not been reported in the literature in individuals affected with DSCAML1-related conditions. An algorithm developed to predict the effect of missense changes on protein structure and function (PolyPhen-2) suggests that this variant is likely to be disruptive. In summary, the available evidence is currently insufficient to determine the role of this variant in disease. Therefore, it has been classified as a Variant of Uncertain Significance.

NM_020693.4(DSCAML1):c.2263C>T (p.Arg755Cys)

Gene: DSCAML1 (DS cell adhesion molecule like 1; minus strand). Cytogenetic location: 11q23.3.
Variant type: single nucleotide variant.
Coding change: c.2263C>T on transcript NM_020693.4 (MANE Select); coding-DNA position 2263, C replaced by T.
Protein change: p.Arg755Cys; replaces arginine 755 with cysteine.
Molecular consequence: missense variant.
Genome position (GRCh38, 1-based): chr11:117,503,941, G>A on the plus strand (C>T on the coding strand, the complement: DSCAML1 is on the minus strand). VCF-style: chr11-117503941-G-A. GRCh37 (hg19) VCF-style: chr11-117374656-G-A.
Other names: c.2263C>T, p.Arg755Cys (NM_001367904.1); short protein forms R755C.
Identifiers: ClinVar variation 3620701 (VCV003620701.2).